The following is an entry in ClinVar:

ClinVar aggregate classification (germline): Benign/Likely benign. Review status: criteria provided, multiple submitters, no conflicts (2 of 4 stars). 6 submissions from 6 submitters: Benign (3); Likely benign (2). 1 of the submissions does not count toward it. Last evaluated 2026-01-27.

Conditions:
Mitochondrial complex I deficiency, nuclear type 1. Also called: NADH-COENZYME Q REDUCTASE DEFICIENCY; MITOCHONDRIAL NADH DEHYDROGENASE COMPONENT OF COMPLEX I, DEFICIENCY OF. Identifiers: MedGen C6022305, MONDO:0100224, OMIM 252010.
Mitochondrial complex I deficiency, nuclear type 11. Also called: Mitochondrial complex 1 deficiency, nuclear type 11. Identifiers: MedGen C4748769, MONDO:0032617, OMIM 618234.

Allele frequency attached by ClinVar (database versions not stated): gnomAD exomes 0.00162 and 0.00415; ExAC 0.00531; gnomAD 0.01714 and 0.01822; ESP Exome Variant Server 0.01761; TOPMed 0.01906; 1000 Genomes Project 0.02256; 1000 Genomes Project 30x 0.02295.
gnomAD v4.1: 5,091 of 1,614,126 alleles (0.32%); highest among the groups gnomAD compares: African/African-American, 6.1%; 165 homozygotes.

Submissions (6):

Labcorp Genetics (formerly Invitae), Labcorp
Classification: Benign. Last evaluated: 2026-01-27. Review status: criteria provided, single submitter. Criteria: Invitae Variant Classification Sherloc (09022015). Collection method: clinical testing. Allele origin: germline.

ARUP Laboratories, Molecular Genetics and Genomics, ARUP Laboratories
Classification: Benign for Mitochondrial complex I deficiency, nuclear type 11. Last evaluated: 2023-11-29. Review status: criteria provided, single submitter. Criteria: ARUP Molecular Germline Variant Investigation Process 2024. Collection method: clinical testing. Allele origin: germline.

Illumina Laboratory Services, Illumina
Classification: Likely benign for Mitochondrial complex I deficiency, nuclear type 1. Last evaluated: 2018-01-13. Review status: criteria provided, single submitter. Criteria: ICSL Variant Classification Criteria 13 December 2019. Collection method: clinical testing. Allele origin: germline.
Comment: This variant was observed in the ICSL laboratory as part of a predisposition screen in an ostensibly healthy population. It had not been previously curated by ICSL or reported in the Human Gene Mutation Database (HGMD: prior to June 1st, 2018), and was therefore a candidate for classification through an automated scoring system. Utilizing variant allele frequency, disease prevalence and penetrance estimates, and inheritance mode, an automated score was calculated to assess if this variant is too frequent to cause the disease. Based on the score and internal cut-off values, a variant classified as likely benign is not then subjected to further curation. The score for this variant resulted in a classification of likely benign for this disease.

GeneDx
Classification: Benign. Last evaluated: 2014-05-28. Review status: criteria provided, single submitter. Criteria: GeneDx Variant Classification (06012015). Collection method: clinical testing. Allele origin: germline. Affected: yes.
Comment: This variant is considered likely benign or benign based on one or more of the following criteria: it is a conservative change, it occurs at a poorly conserved position in the protein, it is predicted to be benign by multiple in silico algorithms, and/or has population frequency not consistent with disease.

Breakthrough Genomics
Classification: Likely benign. Review status: criteria provided, single submitter. Criteria: ACMG Guidelines, 2015. Collection method: not provided. Allele origin: germline. Inheritance: Autosomal recessive inheritance. Affected: yes.

Mayo Clinic Laboratories, Mayo Clinic
Classification: Benign. Last evaluated: 2017-09-15. Review status: no assertion criteria provided. Collection method: clinical testing. Allele origin: unknown. Not counted in ClinVar's aggregate classification.

NM_016013.4(NDUFAF1):c.558A>G (p.Ile186Met)

Gene: NDUFAF1 (NADH:ubiquinone oxidoreductase complex assembly factor 1; minus strand). Cytogenetic location: 15q15.1.
Variant type: single nucleotide variant.
Coding change: c.558A>G on transcript NM_016013.4 (MANE Select); coding-DNA position 558, A replaced by G.
Protein change: p.Ile186Met; replaces isoleucine 186 with methionine.
Molecular consequence: missense variant. On other transcripts: non-coding transcript variant (1).
Genome position (GRCh38, 1-based): chr15:41,396,502, T>C on the plus strand (A>G on the coding strand, the complement: NDUFAF1 is on the minus strand). VCF-style: chr15-41396502-T-C. GRCh37 (hg19) VCF-style: chr15-41688700-T-C.
Other names: p.I186M:ATA>ATG; short protein forms I186M.
Identifiers: ClinVar variation 138455 (VCV000138455.19), dbSNP rs34979001, ClinGen allele CA292448.
Genomic context (GRCh38, chr15:41,396,502, plus strand): 5'-TCACCCCTGTTTACTAGAAAACGATGGCTCCTGGGCCTCACCTACCCTTGGAATCCTGGA[T>C]ATCATTGCACAGTACCCACTTCGGGTAGACTCCCCGTCCTGAGGCGCCTCAGAGCTCAGA-3'
Protein context (NP_057097.2, residues 176-196): ESTRSGYCAM[Ile186Met]SRIPRGAFER